The following is an entry in ClinVar:

NM_012469.4(PRPF6):c.1292C>T (p.Pro431Leu)

Gene: PRPF6 (pre-mRNA processing factor 6; plus strand). Cytogenetic location: 20q13.33.
Variant type: single nucleotide variant.
Coding change: c.1292C>T on transcript NM_012469.4 (MANE Select); coding-DNA position 1292, C replaced by T.
Protein change: p.Pro431Leu; replaces proline 431 with leucine.
Molecular consequence: missense variant.
Genome position (GRCh38, 1-based): chr20:64,010,305, C>T. VCF-style: chr20-64010305-C-T. GRCh37 (hg19) VCF-style: chr20-62641658-C-T.
Other names: short protein forms P431L.
Identifiers: ClinVar variation 954642 (VCV000954642.9), dbSNP rs2059210610, ClinGen allele CA409725642.

ClinVar aggregate classification (germline): Uncertain significance (1 of 4 stars; one submission).

Submission:

Labcorp Genetics (formerly Invitae), Labcorp
Classification: Uncertain significance. Last evaluated: 2022-02-10. Review status: criteria provided, single submitter. Criteria: Invitae Variant Classification Sherloc (09022015). Collection method: clinical testing. Allele origin: germline.
Comment: ClinVar contains an entry for this variant (Variation ID: 954642). Algorithms developed to predict the effect of missense changes on protein structure and function are either unavailable or do not agree on the potential impact of this missense change (SIFT: "Deleterious"; PolyPhen-2: "Possibly Damaging"; Align-GVGD: "Class C15"). In summary, the available evidence is currently insufficient to determine the role of this variant in disease. Therefore, it has been classified as a Variant of Uncertain Significance. This variant has not been reported in the literature in individuals affected with PRPF6-related conditions. This variant is not present in population databases (gnomAD no frequency). This sequence change replaces proline, which is neutral and non-polar, with leucine, which is neutral and non-polar, at codon 431 of the PRPF6 protein (p.Pro431Leu).